The following is an entry in ClinVar:

ClinVar aggregate classification (germline): Likely benign. Review status: criteria provided, multiple submitters, no conflicts (2 of 4 stars). 4 submissions from 4 submitters: Likely benign (4). Last evaluated 2026-01-27.

Conditions:
Inflammatory bowel disease 25. Also called: Inflammatory bowel disease 25, early onset, autosomal recessive. Identifiers: Orphanet 238569, MedGen C2675508, MONDO:0012941, OMIM 612567.

Allele frequency attached by ClinVar (database versions not stated): gnomAD 0.00013; ESP Exome Variant Server 0.00015; TOPMed 0.00015; gnomAD exomes 0.00016; ExAC 0.00021.
gnomAD v4.1: 242 of 1,614,086 alleles (0.015%); highest among the groups gnomAD compares: Non-Finnish European, 0.019%; no homozygotes.

Submissions (4):

Labcorp Genetics (formerly Invitae), Labcorp
Classification: Likely benign for Inflammatory bowel disease 25. Last evaluated: 2026-01-27. Review status: criteria provided, single submitter. Criteria: Invitae Variant Classification Sherloc (09022015). Collection method: clinical testing. Allele origin: germline.

Mayo Clinic Laboratories, Mayo Clinic
Classification: Likely benign. Last evaluated: 2025-03-19. Review status: criteria provided, single submitter. Criteria: ACMG Guidelines, 2015. Collection method: clinical testing. Allele origin: germline. Observed: 1 variant allele.
Comment: BP4, BP7

Blueprint Genetics
Classification: Likely benign. Last evaluated: 2024-11-21. Review status: criteria provided, single submitter. Criteria: ACMG Guidelines, 2015. Collection method: clinical testing. Allele origin: germline.

CeGaT Center for Human Genetics Tuebingen
Classification: Likely benign. Last evaluated: 2023-02-01. Review status: criteria provided, single submitter. Criteria: CeGaT Center For Human Genetics Tuebingen Variant Classification Criteria Version 2. Collection method: clinical testing. Allele origin: germline. Affected: yes. Observed: 1 variant allele.
Comment: IL10RB: BP4, BP7

NM_000628.5(IL10RB):c.123G>A (p.Glu41=)

Genes: IFNAR2-IL10RB (IFNAR2-IL10RB readthrough; plus strand), IL10RB (interleukin 10 receptor subunit beta; plus strand). Cytogenetic location: 21q22.11.
Variant type: single nucleotide variant.
Coding change: c.123G>A on transcript NM_000628.5 (MANE Select); coding-DNA position 123, G replaced by A.
Protein change: p.Glu41=; no amino-acid change (glutamic acid 41 retained).
Molecular consequence: synonymous variant.
Genome position (GRCh38, 1-based): chr21:33,268,467, G>A. VCF-style: chr21-33268467-G-A. GRCh37 (hg19) VCF-style: chr21-34640772-G-A.
Other names: p.Glu41=.
Identifiers: ClinVar variation 759801 (VCV000759801.37), dbSNP rs140495014, ClinGen allele CA10006071.
Genomic context (GRCh38, chr21:33,268,467, plus strand): 5'-ACCACCTCCCGAAAATGTCAGAATGAATTCTGTTAATTTCAAGAACATTCTACAGTGGGA[G>A]TCACCTGCTTTTGCCAAAGGGAACCTGACTTTCACAGCTCAGTACCTAAGGTGGGTCTGG-3'
Protein context (NP_000619.3, residues 31-51): SVNFKNILQW[Glu41=]SPAFAKGNLT